The following is an entry in ClinVar:

ClinVar aggregate classification (germline): Uncertain significance (1 of 4 stars; one submission).

Conditions:
Hypertrophic cardiomyopathy 19. Also called: Familial hypertrophic cardiomyopathy 19. Identifiers: MedGen CN077603, MONDO:0013476.

Submission:

Labcorp Genetics (formerly Invitae), Labcorp
Classification: Uncertain significance for Hypertrophic cardiomyopathy 19. Last evaluated: 2022-09-19. Review status: criteria provided, single submitter. Criteria: Invitae Variant Classification Sherloc (09022015). Collection method: clinical testing. Allele origin: germline.
Comment: This sequence change replaces alanine, which is neutral and non-polar, with valine, which is neutral and non-polar, at codon 225 of the CALR3 protein (p.Ala225Val). In summary, the available evidence is currently insufficient to determine the role of this variant in disease. Therefore, it has been classified as a Variant of Uncertain Significance. Advanced modeling of protein sequence and biophysical properties (such as structural, functional, and spatial information, amino acid conservation, physicochemical variation, residue mobility, and thermodynamic stability) performed at Invitae indicates that this missense variant is not expected to disrupt CALR3 protein function. This variant has not been reported in the literature in individuals affected with CALR3-related conditions. This variant is not present in population databases (gnomAD no frequency).

NM_145046.5(CALR3):c.674C>T (p.Ala225Val)

Gene: CALR3 (calreticulin 3; minus strand). Cytogenetic location: 19p13.11.
Variant type: single nucleotide variant.
Coding change: c.674C>T on transcript NM_145046.5 (MANE Select); coding-DNA position 674, C replaced by T.
Protein change: p.Ala225Val; replaces alanine 225 with valine.
Molecular consequence: missense variant.
Genome position (GRCh38, 1-based): chr19:16,483,934, G>A on the plus strand (C>T on the coding strand, the complement: CALR3 is on the minus strand). VCF-style: chr19-16483934-G-A. GRCh37 (hg19) VCF-style: chr19-16594745-G-A.
Other names: short protein forms A225V.
Identifiers: ClinVar variation 1719762 (VCV001719762.6), dbSNP rs2513189885, ClinGen allele CA404609070.